The following is an entry in ClinVar:

ClinVar aggregate classification (germline): Conflicting classifications of pathogenicity. Review status: criteria provided, conflicting classifications (1 of 4 stars). 4 submissions from 4 submitters: Uncertain significance (1); Likely benign (3). Last evaluated 2025-09-20.

Conditions:
CENPF-related disorder. Also called: CENPF-related condition.
Inborn genetic diseases. Identifiers: MedGen C0950123, MeSH D030342.

Allele frequency attached by ClinVar (database versions not stated): gnomAD 0.00105; TOPMed 0.00167; ESP Exome Variant Server 0.00169; 1000 Genomes Project 0.00180; 1000 Genomes Project 30x 0.00203.

Submissions (4):

PreventionGenetics, part of Exact Sciences
Classification: Likely benign for CENPF-related condition. Last evaluated: 2025-09-20. Review status: criteria provided, single submitter. Criteria: ACMG Guidelines, 2015. Collection method: clinical testing. Allele origin: germline.
Comment: This variant is classified as likely benign based on ACMG/AMP sequence variant interpretation guidelines (Richards et al. 2015 PMID: 25741868, with internal and published modifications).

Labcorp Genetics (formerly Invitae), Labcorp
Classification: Likely benign. Last evaluated: 2025-06-03. Review status: criteria provided, single submitter. Criteria: Invitae Variant Classification Sherloc (09022015). Collection method: clinical testing. Allele origin: germline.

Ambry Genetics
Classification: Uncertain significance for Inborn genetic diseases. Last evaluated: 2021-08-02. Review status: criteria provided, single submitter. Criteria: Ambry Variant Classification Scheme 2023. Collection method: clinical testing. Allele origin: germline.

GeneDx
Classification: Likely benign. Last evaluated: 2021-04-19. Review status: criteria provided, single submitter. Criteria: GeneDx Variant Classification Process June 2021. Collection method: clinical testing. Allele origin: germline. Affected: yes.

NM_016343.4(CENPF):c.3928C>G (p.Leu1310Val)

Gene: CENPF (centromere protein F; plus strand). Cytogenetic location: 1q41.
Variant type: single nucleotide variant.
Coding change: c.3928C>G on transcript NM_016343.4 (MANE Select); coding-DNA position 3928, C replaced by G.
Protein change: p.Leu1310Val; replaces leucine 1310 with valine.
Molecular consequence: missense variant.
Genome position (GRCh38, 1-based): chr1:214,642,266, C>G. VCF-style: chr1-214642266-C-G. GRCh37 (hg19) VCF-style: chr1-214815609-C-G.
Other names: short protein forms L1310V.
Identifiers: ClinVar variation 775666 (VCV000775666.12), dbSNP rs148517685, ClinGen allele CA1390500.
Genomic context (GRCh38, chr1:214,642,266, plus strand): 5'-CAGTGCTCTCTGCAAACAACAATGAACAAGCTGAATGAGCTAGAGAAAATATGTGAAATA[C>G]TGCAGGCTGAAAAGTATGAACTCGTAACTGAGCTGAATGATTCAAGGTCAGAATGTATCA-3'
Protein context (NP_057427.3, residues 1300-1320): LNELEKICEI[Leu1310Val]QAEKYELVTE